The following is an entry in ClinVar:

NM_005458.8(GABBR2):c.1944_1945del (p.Cys648_Glu649delinsTer)

Gene: GABBR2 (gamma-aminobutyric acid type B receptor subunit 2; minus strand). Cytogenetic location: 9q22.33.
Variant type: Microsatellite.
Coding change: c.1944_1945del on transcript NM_005458.8 (MANE Select); coding-DNA positions 1944 to 1945, 2 bases deleted (TG; older notation c.1944_1945delTG).
Protein change: p.Cys648_Glu649delinsTer.
Molecular consequence: nonsense.
Genome position (GRCh38, 1-based): chr9:98,311,154-98,311,155, CA deleted on the plus strand (TG on the coding strand, the reverse complement: GABBR2 is on the minus strand); deleting any 2 consecutive bases within chr9:98,311,154-98,311,157 gives the same sequence; the c. name uses the placement nearest the transcript's 3' end. VCF-style (leftmost placement, unchanged base first): chr9-98311153-TCA-T. GRCh37 (hg19) VCF-style: chr9-101073435-TCA-T.
Identifiers: ClinVar variation 566331 (VCV000566331.6), dbSNP rs1564011668, ClinGen allele CA891842489.

ClinVar aggregate classification (germline): Uncertain significance (1 of 4 stars; one submission).

Conditions:
Epileptic encephalopathy. Identifiers: MedGen C0543888, HP:0200134.

Submission:

Labcorp Genetics (formerly Invitae), Labcorp
Classification: Uncertain significance for Epileptic encephalopathy. Last evaluated: 2018-05-17. Review status: criteria provided, single submitter. Criteria: Invitae Variant Classification Sherloc (09022015). Collection method: clinical testing. Allele origin: germline.
Comment: In summary, the available evidence is currently insufficient to determine the role of this variant in disease. Therefore, it has been classified as a Variant of Uncertain Significance. The current clinical and genetic evidence is not sufficient to establish whether loss-of-function variants in GABBR2 cause disease. This variant has not been reported in the literature in individuals with GABBR2-related disease. This variant is not present in population databases (ExAC no frequency). This sequence change creates a premature translational stop signal (p.Cys648*) in the GABBR2 gene. It is expected to result in an absent or disrupted protein product.